The following is an entry in ClinVar:

ClinVar aggregate classification (germline): Uncertain significance (1 of 4 stars; one submission).

Allele frequency attached by ClinVar (database versions not stated): ExAC 0.00002; TOPMed 0.00001; gnomAD exomes 0.00002.
gnomAD v4.1: 22 of 1,210,706 alleles (0.0018%); highest among the groups gnomAD compares: South Asian, 0.0035%; no homozygotes.

Submission:

Labcorp Genetics (formerly Invitae), Labcorp
Classification: Uncertain significance. Last evaluated: 2025-10-29. Review status: criteria provided, single submitter. Criteria: Invitae Variant Classification Sherloc (09022015). Collection method: clinical testing. Allele origin: germline.
Comment: This sequence change replaces threonine, which is neutral and polar, with methionine, which is neutral and non-polar, at codon 26 of the NDP protein (p.Thr26Met). This variant is present in population databases (rs769624079, gnomAD 0.009%). This variant has not been reported in the literature in individuals affected with NDP-related conditions. ClinVar contains an entry for this variant (Variation ID: 3014542). An algorithm developed to predict the effect of missense changes on protein structure and function outputs the following: PolyPhen-2: "Benign". The methionine amino acid residue is found in multiple mammalian species, which suggests that this missense change does not adversely affect protein function. In summary, the available evidence is currently insufficient to determine the role of this variant in disease. Therefore, it has been classified as a Variant of Uncertain Significance.

NM_000266.4(NDP):c.77C>T (p.Thr26Met)

Genes: NDP (norrin cystine knot growth factor NDP; minus strand), NDP-AS1 (NDP antisense RNA 1; plus strand). Cytogenetic location: Xp11.3.
Variant type: single nucleotide variant.
Coding change: c.77C>T on transcript NM_000266.4 (MANE Select); coding-DNA position 77, C replaced by T.
Protein change: p.Thr26Met; replaces threonine 26 with methionine.
Molecular consequence: missense variant.
Genome position (GRCh38, 1-based): chrX:43,958,569, G>A on the plus strand (C>T on the coding strand, the complement: NDP is on the minus strand). VCF-style: chrX-43958569-G-A. GRCh37 (hg19) VCF-style: chrX-43817815-G-A.
Other names: short protein forms T26M.
Identifiers: ClinVar variation 3014542 (VCV003014542.3), dbSNP rs769624079, ClinGen allele CA10391448.
Genomic context (GRCh38, chrX:43,958,569, plus strand): 5'-TCCACATAGTGGTGCCTCATGCAGCGTCGAGGGTCCGAGTCCATTATGAATGAGCTGTCC[G>A]TTTTACTGTCTGTATCTCCCATTATCACCAGCAGGGAGAGCATAGAAAAGGATGCAGCTA-3'
Protein context (NP_000257.1, residues 16-36): LVIMGDTDSK[Thr26Met]DSSFIMDSDP